The following is an entry in ClinVar:

NM_001614.5(ACTG1):c.953C>G (p.Thr318Ser)

Gene: ACTG1 (actin gamma 1; minus strand). Cytogenetic location: 17q25.3.
Variant type: single nucleotide variant.
Coding change: c.953C>G on transcript NM_001614.5 (MANE Select); coding-DNA position 953, C replaced by G.
Protein change: p.Thr318Ser; replaces threonine 318 with serine.
Molecular consequence: missense variant. On other transcripts: non-coding transcript variant (1).
Genome position (GRCh38, 1-based): chr17:81,510,958, G>C on the plus strand (C>G on the coding strand, the complement: ACTG1 is on the minus strand). VCF-style: chr17-81510958-G-C. GRCh37 (hg19) VCF-style: chr17-79477984-G-C.
Other names: c.953C>G, p.Thr318Ser (NM_001199954.3); short protein forms T318S.
Identifiers: ClinVar variation 4855908 (VCV004855908.1).
Genomic context (GRCh38, chr17:81,510,958, plus strand): 5'-GGCAGAGGGCCACCAACCCCTCGACTCACCTTGATCTTCATGGTGCTGGGCGCCAGGGCG[G>C]TGATCTCCTTCTGCATCCTGTCGGCAATGCCCGGGTACATGGTGGTGCCGCCCGACAGCA-3'
Protein context (NP_001605.1, residues 308-328): GIADRMQKEI[Thr318Ser]ALAPSTMKIK

ClinVar aggregate classification (germline): Uncertain significance (1 of 4 stars; one submission).

Conditions:
Baraitser-winter syndrome 2. Identifiers: Orphanet 2995, MedGen C3281235, MONDO:0013812, OMIM 614583.

Submission:

3billion
Classification: Uncertain significance for Baraitser-winter syndrome 2. Last evaluated: 2026-01-05. Review status: criteria provided, single submitter. Criteria: ACMG Guidelines, 2015. Collection method: clinical testing. Allele origin: germline. Affected: yes.
Comment: The variant is not observed in the gnomAD v4.1.0 dataset. Predicted Consequence/Location: Missense variant. Missense changes are a common disease-causing mechanism. In silico tool predictions suggest damaging effect of the variant on gene or gene product [REVEL: 0.52 (>=0.6, sensitivity 0.68 and specificity 0.92); 3Cnet: 0.99 (> 0.75, sensitivity 0.96 and precision 0.92)]. A different missense change at the same codon (p.Thr318Ala) has been reported to be associated with ACTG1-related disorder (PMID: 38790200). Therefore, this variant is classified as VUS according to the recommendation of ACMG/AMP guideline.

Literature cited by the submitters: PubMed 38790200.